The following is an entry in ClinVar:

NM_021222.3(PRUNE1):c.44C>T (p.Ser15Phe)

Gene: PRUNE1 (prune exopolyphosphatase 1; plus strand). Cytogenetic location: 1q21.3.
Variant type: single nucleotide variant.
Coding change: c.44C>T on transcript NM_021222.3 (MANE Select); coding-DNA position 44, C replaced by T.
Protein change: p.Ser15Phe; replaces serine 15 with phenylalanine.
Molecular consequence: missense variant. On other transcripts: 5 prime UTR variant (2), non-coding transcript variant (3).
Genome position (GRCh38, 1-based): chr1:151,017,816, C>T. VCF-style: chr1-151017816-C-T. GRCh37 (hg19) VCF-style: chr1-150990292-C-T.
Other names: c.-300C>T (NM_001303229.2); c.44C>T, p.Ser15Phe (NM_001303242.2); c.-216C>T (NM_001303243.2); c.44C>T (NM_021222.2); short protein forms S15F.
Identifiers: ClinVar variation 2050841 (VCV002050841.30), dbSNP rs149560167, ClinGen allele CA1083671.

ClinVar aggregate classification (germline): Benign/Likely benign. Review status: criteria provided, multiple submitters, no conflicts (2 of 4 stars). 4 submissions from 4 submitters: Benign (2); Likely benign (1). 1 of the submissions does not count toward it. Last evaluated 2025-09-02.

Conditions:
PRUNE1-related disorder. Also called: PRUNE1-related condition.

Allele frequency attached by ClinVar (database versions not stated): gnomAD exomes 0.00030; ExAC 0.00110; gnomAD 0.00297; TOPMed 0.00329; ESP Exome Variant Server 0.00338; 1000 Genomes Project 0.00419; 1000 Genomes Project 30x 0.00422.
gnomAD v4.1: 901 of 1,582,244 alleles (0.057%); highest among the groups gnomAD compares: African/African-American, 1%; 5 homozygotes.

Submissions (4):

Labcorp Genetics (formerly Invitae), Labcorp
Classification: Benign. Last evaluated: 2025-09-02. Review status: criteria provided, single submitter. Criteria: Invitae Variant Classification Sherloc (09022015). Collection method: clinical testing. Allele origin: germline.

Blueprint Genetics
Classification: Likely benign. Last evaluated: 2024-10-08. Review status: criteria provided, single submitter. Criteria: ACMG Guidelines, 2015. Collection method: clinical testing. Allele origin: germline.

CeGaT Center for Human Genetics Tuebingen
Classification: Benign. Last evaluated: 2023-01-01. Review status: criteria provided, single submitter. Criteria: CeGaT Center For Human Genetics Tuebingen Variant Classification Criteria Version 2. Collection method: clinical testing. Allele origin: germline. Affected: yes. Observed: 1 variant allele.
Comment: PRUNE1: BS1, BS2

PreventionGenetics, part of Exact Sciences
Classification: Benign for PRUNE1-related condition. Last evaluated: 2019-06-25. Review status: no assertion criteria provided. Collection method: clinical testing. Allele origin: germline. Not counted in ClinVar's aggregate classification.
Comment: This variant is classified as benign based on ACMG/AMP sequence variant interpretation guidelines (Richards et al. 2015 PMID: 25741868, with internal and published modifications).